The following is an entry in ClinVar:

ClinVar aggregate classification (germline): Conflicting classifications of pathogenicity. Review status: criteria provided, conflicting classifications (1 of 4 stars). 3 submissions from 3 submitters: Uncertain significance (2); Likely benign (1). Last evaluated 2025-11-17.

Conditions:
Cardiovascular phenotype. Identifiers: MedGen CN230736.
Dilated cardiomyopathy 1AA (CMD1AA). Also called: Cardiomyopathy, dilated, 1AA, with or without LVNC; CARDIOMYOPATHY, DILATED, 1AA, WITH OR WITHOUT LEFT VENTRICULAR NONCOMPACTION; CARDIOMYOPATHY, FAMILIAL HYPERTROPHIC, 23, WITH OR WITHOUT LEFT VENTRICULAR NONCOMPACTION. Identifiers: Orphanet 154, MedGen C2677338, MONDO:0012808, OMIM 612158.
Primary familial hypertrophic cardiomyopathy (HCM). Identifiers: Orphanet 99739, MedGen C0949658, MeSH D024741, MONDO:0024573. Inheritance: Various modes of inheritance.

Allele frequency attached by ClinVar (database versions not stated): gnomAD exomes below 0.00001 and 0.00001; TOPMed below 0.00001; gnomAD 0.00001.

Submissions (3):

Labcorp Genetics (formerly Invitae), Labcorp
Classification: Likely benign for Primary familial hypertrophic cardiomyopathy; Dilated cardiomyopathy 1AA. Last evaluated: 2025-11-17. Review status: criteria provided, single submitter. Criteria: Invitae Variant Classification Sherloc (09022015). Collection method: clinical testing. Allele origin: germline.

Ambry Genetics
Classification: Uncertain significance for Cardiovascular phenotype. Last evaluated: 2025-08-25. Review status: criteria provided, single submitter. Criteria: Ambry Variant Classification Scheme 2023. Collection method: clinical testing. Allele origin: germline.
Comment: The p.G650R variant (also known as c.1948G>C), located in coding exon 16 of the ACTN2 gene, results from a G to C substitution at nucleotide position 1948. The glycine at codon 650 is replaced by arginine, an amino acid with dissimilar properties. This amino acid position is conserved. In addition, this alteration is predicted to be deleterious by in silico analysis. Since supporting evidence is limited at this time, the clinical significance of this alteration remains unclear.

GeneDx
Classification: Uncertain significance. Last evaluated: 2023-05-09. Review status: criteria provided, single submitter. Criteria: GeneDx Variant Classification Process June 2021. Collection method: clinical testing. Allele origin: germline. Affected: yes.
Comment: Not observed at significant frequency in large population cohorts (gnomAD); In silico analysis supports that this missense variant has a deleterious effect on protein structure/function; Has not been previously published as pathogenic or benign to our knowledge

NM_001103.4(ACTN2):c.1948G>C (p.Gly650Arg)

Gene: ACTN2 (actinin alpha 2; plus strand). Cytogenetic location: 1q43.
Variant type: single nucleotide variant.
Coding change: c.1948G>C on transcript NM_001103.4 (MANE Select); coding-DNA position 1948, G replaced by C.
Protein change: p.Gly650Arg; replaces glycine 650 with arginine.
Molecular consequence: missense variant.
Genome position (GRCh38, 1-based): chr1:236,754,055, G>C. VCF-style: chr1-236754055-G-C. GRCh37 (hg19) VCF-style: chr1-236917355-G-C.
Other names: c.1948G>C, p.Gly650Arg (NM_001278343.2); c.1324G>C, p.Gly442Arg (NM_001278344.2); short protein forms G650R, G442R.
Identifiers: ClinVar variation 463197 (VCV000463197.12), dbSNP rs1173244523, ClinGen allele CA345387024.